The following is an entry in ClinVar:

NM_001482.3(GATM):c.420A>G (p.Thr140=)

Gene: GATM (glycine amidinotransferase; minus strand). Cytogenetic location: 15q21.1.
Variant type: single nucleotide variant.
Coding change: c.420A>G on transcript NM_001482.3 (MANE Select); coding-DNA position 420, A replaced by G.
Protein change: p.Thr140=; no amino-acid change (threonine 140 retained).
Molecular consequence: synonymous variant.
Genome position (GRCh38, 1-based): chr15:45,369,390, T>C on the plus strand (A>G on the coding strand, the complement: GATM is on the minus strand). VCF-style: chr15-45369390-T-C. GRCh37 (hg19) VCF-style: chr15-45661588-T-C.
Other names: c.33A>G, p.Thr11= (NM_001321015.2).
Identifiers: ClinVar variation 1318967 (VCV001318967.5), dbSNP rs1163045526, ClinGen allele CA490236500.

ClinVar aggregate classification (germline): Uncertain significance. Review status: criteria provided, multiple submitters, no conflicts (2 of 4 stars). 2 submissions from 2 submitters: Uncertain significance (2). Last evaluated 2022-11-18.

Conditions:
Arginine:glycine amidinotransferase deficiency (CCDS3). Also called: AGAT deficiency; L-Arginine:Glycine Amidinotransferase Deficiency; L-Arginine:Glycine Amidinotransferase (AGAT) Deficiency; Cerebral creatine deficiency syndrome 3; Creatine deficiency syndrome due to AGAT deficiency; GATM deficiency. Identifiers: Orphanet 35704, MedGen C2675179, MONDO:0012996, OMIM 612718.

Allele frequency attached by ClinVar (database versions not stated): gnomAD exomes below 0.00001.
gnomAD v4.1: 1 of 1,614,200 alleles (0.000062%); highest among the groups gnomAD compares: Admixed American, 0.0017%; no homozygotes.

Submissions (2):

Labcorp Genetics (formerly Invitae), Labcorp
Classification: Uncertain significance for Arginine:glycine amidinotransferase deficiency. Last evaluated: 2022-11-18. Review status: criteria provided, single submitter. Criteria: Invitae Variant Classification Sherloc (09022015). Collection method: clinical testing. Allele origin: germline.
Comment: In summary, the available evidence is currently insufficient to determine the role of this variant in disease. Therefore, it has been classified as a Variant of Uncertain Significance. Algorithms developed to predict the effect of sequence changes on RNA splicing suggest that this variant may create or strengthen a splice site. ClinVar contains an entry for this variant (Variation ID: 1318967). This variant has not been reported in the literature in individuals affected with GATM-related conditions. This variant is present in population databases (no rsID available, gnomAD 0.003%). This sequence change affects codon 140 of the GATM mRNA. It is a 'silent' change, meaning that it does not change the encoded amino acid sequence of the GATM protein.

GeneDx
Classification: Uncertain significance. Last evaluated: 2019-09-18. Review status: criteria provided, single submitter. Criteria: GeneDx Variant Classification Process June 2021. Collection method: clinical testing. Allele origin: germline. Affected: yes.
Comment: Not observed at a significant frequency in large population cohorts (Lek et al., 2016); Has not been previously published as pathogenic or benign to our knowledge; In-silico analysis, which includes splice predictors and evolutionary conservation, is inconclusive as to whether the variant alters gene splicing. In the absence of RNA/functional studies, the actual effect of this sequence change is unknown.